The following is an entry in ClinVar:

NM_001077365.2(POMT1):c.1487-5G>T

Gene: POMT1 (protein O-mannosyltransferase 1; plus strand). Cytogenetic location: 9q34.13.
Variant type: single nucleotide variant.
Coding change: c.1487-5G>T on transcript NM_001077365.2 (MANE Select); 5 bases into the intron before coding-DNA position 1487, G replaced by T.
Molecular consequence: intron variant.
Genome position (GRCh38, 1-based): chr9:131,519,384, G>T. VCF-style: chr9-131519384-G-T. GRCh37 (hg19) VCF-style: chr9-134394771-G-T.
Other names: c.1391-5G>T (NM_001353198.2, NM_001353197.2); c.1553-5G>T (NM_001353193.2, NM_007171.4); c.1487-5G>T (NM_001136113.2); c.1325-5G>T (NM_001353194.2, NM_001077366.2); c.1136-5G>T (NM_001374691.1, NM_001353195.2, NM_001374692.1 and 2 more transcripts); c.1366-696G>T (NM_001374690.1); c.1397-5G>T (NM_001353196.2); c.1097-5G>T (NM_001374695.1); and 3 more.
Identifiers: ClinVar variation 436377 (VCV000436377.15), dbSNP rs747783069, ClinGen allele CA5293728.
Genomic context (GRCh38, chr9:131,519,384, plus strand): 5'-GCTTCTGCTCTGAGCTCTTGACCTTGTGCTACTTCTATCTGTTATGCCCTTGTCTGTTCT[G>T]CCAGGCCAGGAGCAGAGGGAGCGGGAACGGGAGCTGCACTCACCTGCGCAGGTGGACGTC-3'

ClinVar aggregate classification (germline): Conflicting classifications of pathogenicity. Review status: criteria provided, conflicting classifications (1 of 4 stars). 4 submissions from 4 submitters: Uncertain significance (1); Likely benign (3). Last evaluated 2026-01-31.

Conditions:
Autosomal recessive limb-girdle muscular dystrophy type 2K. Also called: MUSCULAR DYSTROPHY, LIMB-GIRDLE, TYPE 2K; MUSCULAR DYSTROPHY-DYSTROGLYCANOPATHY (LIMB-GIRDLE), TYPE C, 1. Identifiers: Orphanet 86812, MedGen C1836373, MONDO:0012248, OMIM 609308.
Walker-Warburg congenital muscular dystrophy. Also called: Muscular dystrophy-dystroglycanopathy, type A; Walker-Warburg syndrome. Identifiers: Orphanet 899, MedGen C0265221, MONDO:0000171.
Muscular dystrophy-dystroglycanopathy (congenital with impaired intellectual development), type B, 1. Also called: Muscular dystrophy-dystroglycanopathy (congenital with intellectual disability), type B1; MUSCULAR DYSTROPHY, CONGENITAL, POMT1-RELATED. Identifiers: MedGen C5436962, MONDO:0013159, OMIM 613155.

Allele frequency attached by ClinVar (database versions not stated): gnomAD 0.00005; ExAC 0.00048; gnomAD exomes 0.00014 and 0.00006; TOPMed 0.00005.

Submissions (4):

Labcorp Genetics (formerly Invitae), Labcorp
Classification: Likely benign for Muscular dystrophy-dystroglycanopathy (congenital with impaired intellectual development), type B, 1; Walker-Warburg congenital muscular dystrophy; Autosomal recessive limb-girdle muscular dystrophy type 2K. Last evaluated: 2026-01-31. Review status: criteria provided, single submitter. Criteria: Invitae Variant Classification Sherloc (09022015). Collection method: clinical testing. Allele origin: germline.

Athena Diagnostics
Classification: Likely benign. Last evaluated: 2025-02-04. Review status: criteria provided, single submitter. Criteria: Athena Diagnostics Criteria. Collection method: clinical testing. Allele origin: unknown.
Comment: Computational tools yielded predictions that this variant is unlikely to have an effect on normal RNA splicing. This nucleotide position exhibits low evolutionary conservation.

Blueprint Genetics
Classification: Likely benign. Last evaluated: 2024-09-02. Review status: criteria provided, single submitter. Criteria: ACMG Guidelines, 2015. Collection method: clinical testing. Allele origin: germline.

Genetic Services Laboratory, University of Chicago
Classification: Uncertain significance. Last evaluated: 2017-05-18. Review status: criteria provided, single submitter. Criteria: ACMG Guidelines, 2015. Collection method: clinical testing. Allele origin: germline. Affected: no.